The following is an entry in ClinVar:

ClinVar aggregate classification (germline): Uncertain significance. Review status: criteria provided, multiple submitters, no conflicts (2 of 4 stars). 2 submissions from 2 submitters: Uncertain significance (2). Last evaluated 2026-09-02.

Conditions:
PKD2-related disorder. Also called: PKD2-related condition.

Submissions (2):

PreventionGenetics, part of Exact Sciences
Classification: Uncertain significance for PKD2-related condition. Last evaluated: 2026-09-02. Review status: criteria provided, single submitter. Criteria: ACMG Guidelines, 2015. Collection method: clinical testing. Allele origin: germline.
Comment: The PKD2 c.1330G>A variant is predicted to result in the amino acid substitution p.Glu444Lys. To our knowledge, this variant has not been reported in the literature or in a large population database (gnomAD), indicating this variant is rare. The p.Glu444 residue is highly conserved and the REVEL (rare exome variant ensemble learner) program predicts this variant is pathogenic at a "strong" level (Ioannidis et al. 2016. PubMed ID: 27666373; Bergquist et al. 2025. PubMed ID: 40084623). Of note, a different substitution at the same codon, defined as c.1332A>C (p.Glu444Asp), was reported in an individual with autosomal dominant polycystic kidney disease (ADPKD) (reported as E444D in Neumann et al. 2013. PubMed ID: 23300259). Although we suspect that the c.1330G>A (p.Glu444Lys) variant is pathogenic, at this time, the clinical significance of this variant is uncertain due to the absence of conclusive functional and genetic evidence.

Women's Health and Genetics/Laboratory Corporation of America, LabCorp
Classification: Uncertain significance. Last evaluated: 2025-10-20. Review status: criteria provided, single submitter. Criteria: LabCorp Variant Classification Summary - May 2015. Collection method: clinical testing. Allele origin: germline.
Comment: Variant summary: PKD2 c.1330G>A (p.Glu444Lys) results in a conservative amino acid change located in the Polycystin domain (IPR046791) of the encoded protein sequence. Algorithms developed to predict the effect of missense changes on protein structure and function are either unavailable or do not agree on the potential impact of this missense change. The variant was absent in 251320 control chromosomes. The available data on variant occurrences in the general population are insufficient to allow any conclusion about variant significance. To our knowledge, no occurrence of c.1330G>A in individuals affected with PKD2-related conditions and no experimental evidence demonstrating its impact on protein function have been reported. No submitters have cited clinical-significance assessments for this variant to ClinVar. Based on the evidence outlined above, the variant was classified as uncertain significance.

NM_000297.4(PKD2):c.1330G>A (p.Glu444Lys)

Gene: PKD2 (polycystin 2, transient receptor potential cation channel; plus strand). Cytogenetic location: 4q22.1.
Variant type: single nucleotide variant.
Coding change: c.1330G>A on transcript NM_000297.4 (MANE Select); coding-DNA position 1330, G replaced by A.
Protein change: p.Glu444Lys; replaces glutamic acid 444 with lysine.
Molecular consequence: missense variant. On other transcripts: non-coding transcript variant (1).
Genome position (GRCh38, 1-based): chr4:88,046,652, G>A. VCF-style: chr4-88046652-G-A. GRCh37 (hg19) VCF-style: chr4-88967804-G-A.
Other names: c.1330G>A (NM_000297.3); c.1105G>A, p.Glu369Lys (NM_001440544.1); short protein forms E369K, E444K.
Identifiers: ClinVar variation 4687156 (VCV004687156.2).